The following is an entry in ClinVar:

NM_004656.4(BAP1):c.830_831del (p.Gln277fs)

Gene: BAP1 (BRCA1 associated deubiquitinase 1; minus strand). Cytogenetic location: 3p21.1.
Variant type: Deletion.
Coding change: c.830_831del on transcript NM_004656.4 (MANE Select); coding-DNA positions 830 to 831, 2 bases deleted (AA; older notation c.830_831delAA).
Protein change: p.Gln277fs; shifts the reading frame from glutamine 277.
Molecular consequence: frameshift variant.
Genome position (GRCh38, 1-based): chr3:52,405,865-52,405,866, TT deleted on the plus strand (AA on the coding strand, the reverse complement: BAP1 is on the minus strand). VCF-style (leftmost placement, unchanged base first): chr3-52405864-CTT-C. GRCh37 (hg19) VCF-style: chr3-52439880-CTT-C.
Other names: short protein forms Q277fs.
Identifiers: ClinVar variation 1073757 (VCV001073757.9), dbSNP rs1327490224, ClinGen allele CA542898728.

ClinVar aggregate classification (germline): Pathogenic. Review status: criteria provided, multiple submitters, no conflicts (2 of 4 stars). 2 submissions from 2 submitters: Pathogenic (2). Last evaluated 2024-04-30.

Conditions:
BAP1-related tumor predisposition syndrome (TPDS1). Also called: BAP1 tumor predisposition syndrome; COMMON Syndrome; TUMOR PREDISPOSITION SYNDROME 1; Tumor susceptibility linked to germline BAP1 mutations. Identifiers: Orphanet 289539, MedGen C3280492, MONDO:0013692, OMIM 614327.

Submissions (2):

Labcorp Genetics (formerly Invitae), Labcorp
Classification: Pathogenic for BAP1-related tumor predisposition syndrome. Last evaluated: 2024-04-30. Review status: criteria provided, single submitter. Criteria: Invitae Variant Classification Sherloc (09022015). Collection method: clinical testing. Allele origin: germline.
Comment: This sequence change creates a premature translational stop signal (p.Gln277Argfs*6) in the BAP1 gene. It is expected to result in an absent or disrupted protein product. Loss-of-function variants in BAP1 are known to be pathogenic (PMID: 21874000, 23684012). This variant is present in population databases (no rsID available, gnomAD 0.01%). This variant has not been reported in the literature in individuals affected with BAP1-related conditions. ClinVar contains an entry for this variant (Variation ID: 1073757). Algorithms developed to predict the effect of sequence changes on RNA splicing suggest that this variant may disrupt the consensus splice site. For these reasons, this variant has been classified as Pathogenic.

Genetic Services Laboratory, University of Chicago
Classification: Pathogenic. Last evaluated: 2021-04-26. Review status: criteria provided, single submitter. Criteria: ACMG Guidelines, 2015. Collection method: clinical testing. Allele origin: germline. Affected: yes.
Comment: DNA sequence analysis of the BAP1 gene demonstrated a two base pair deletion in exon 10, c.830_831del. This pathogenic sequence change results in an amino acid frameshift and creates a premature stop codon 6 amino acids downstream of the mutation, p.Gln277Argfs*6. This pathogenic sequence change is predicted to result in an abnormal transcript, which may be degraded, or may lead to the production of a truncated BAP1 protein with potentially abnormal function. While this particular sequence change has not been previously reported, multiple truncating and frameshift deletions/duplications in and around this region of the BAP1 gene have been reported in patients with mesothelioma and other related BAP1 cancers. Furthermore, loss-of-function variants in BAP1 are known to be pathogenic (PMID: 21874000, 23684012). Based on the available evidence, we interpret this sequence change as pathogenic.

Literature cited by the submitters: PubMed 21874000 (cited by Labcorp Genetics (formerly Invitae), Labcorp); PubMed 23684012 (cited by Labcorp Genetics (formerly Invitae), Labcorp).